The following is an entry in ClinVar:

ClinVar aggregate classification (germline): Uncertain significance. Review status: criteria provided, multiple submitters, no conflicts (2 of 4 stars). 2 submissions from 2 submitters: Uncertain significance (2). Last evaluated 2025-06-10.

Conditions:
Hereditary cancer-predisposing syndrome. Also called: Tumor predisposition; Hereditary Cancer Syndrome; Neoplastic Syndromes, Hereditary; Hereditary neoplastic syndrome. Identifiers: Orphanet 140162, MedGen C0027672, MeSH D009386, MONDO:0015356.
Tumor predisposition syndrome 3 (TPDS3). Also called: Melanoma, cutaneous malignant, susceptibility to, 10; Glioma susceptibility 9; LONG TELOMERE SYNDROME, POT1-RELATED; POT1 Tumor Predisposition. Identifiers: Orphanet 618, MedGen C4014476, MONDO:0014368, OMIM 615848.

Allele frequency attached by ClinVar (database versions not stated): gnomAD 0.00001.
gnomAD v4.1: 2 of 1,609,764 alleles (0.00012%); highest among the groups gnomAD compares: African/African-American, 0.0013%; no homozygotes.

Submissions (2):

Labcorp Genetics (formerly Invitae), Labcorp
Classification: Uncertain significance for Tumor predisposition syndrome 3. Last evaluated: 2025-06-10. Review status: criteria provided, single submitter. Criteria: Invitae Variant Classification Sherloc (09022015). Collection method: clinical testing. Allele origin: germline.
Comment: This sequence change replaces leucine, which is neutral and non-polar, with proline, which is neutral and non-polar, at codon 447 of the POT1 protein (p.Leu447Pro). This variant is not present in population databases (gnomAD no frequency). This variant has not been reported in the literature in individuals affected with POT1-related conditions. ClinVar contains an entry for this variant (Variation ID: 950033). Invitae Evidence Modeling of protein sequence and biophysical properties (such as structural, functional, and spatial information, amino acid conservation, physicochemical variation, residue mobility, and thermodynamic stability) indicates that this missense variant is not expected to disrupt POT1 protein function with a negative predictive value of 80%. In summary, the available evidence is currently insufficient to determine the role of this variant in disease. Therefore, it has been classified as a Variant of Uncertain Significance.

Ambry Genetics
Classification: Uncertain significance for Hereditary cancer-predisposing syndrome. Last evaluated: 2024-11-08. Review status: criteria provided, single submitter. Criteria: Ambry Variant Classification Scheme 2023. Collection method: clinical testing. Allele origin: germline.
Comment: The p.L447P variant (also known as c.1340T>C), located in coding exon 10 of the POT1 gene, results from a T to C substitution at nucleotide position 1340. The leucine at codon 447 is replaced by proline, an amino acid with similar properties. This amino acid position is conserved. In addition, this alteration is predicted to be tolerated by in silico analysis. Based on the available evidence, the clinical significance of this variant remains unclear.

NM_015450.3(POT1):c.1340T>C (p.Leu447Pro)

Gene: POT1 (protection of telomeres 1; minus strand). Cytogenetic location: 7q31.33.
Variant type: single nucleotide variant.
Coding change: c.1340T>C on transcript NM_015450.3 (MANE Select); coding-DNA position 1340, T replaced by C.
Protein change: p.Leu447Pro; replaces leucine 447 with proline.
Molecular consequence: missense variant. On other transcripts: non-coding transcript variant (3).
Genome position (GRCh38, 1-based): chr7:124,841,002, A>G on the plus strand (T>C on the coding strand, the complement: POT1 is on the minus strand). VCF-style: chr7-124841002-A-G. GRCh37 (hg19) VCF-style: chr7-124481056-A-G.
Other names: c.947T>C, p.Leu316Pro (NM_001042594.2); short protein forms L316P, L447P.
Identifiers: ClinVar variation 950033 (VCV000950033.11), dbSNP rs1450240396, ClinGen allele CA369066752.